The following is an entry in ClinVar:

ClinVar aggregate classification (germline): Uncertain significance (1 of 4 stars; one submission).

Submission:

Labcorp Genetics (formerly Invitae), Labcorp
Classification: Uncertain significance. Last evaluated: 2023-08-04. Review status: criteria provided, single submitter. Criteria: Invitae Variant Classification Sherloc (09022015). Collection method: clinical testing. Allele origin: germline.
Comment: Experimental studies and prediction algorithms are not available or were not evaluated, and the functional significance of this variant is currently unknown. In summary, the available evidence is currently insufficient to determine the role of this variant in disease. Therefore, it has been classified as a Variant of Uncertain Significance. This variant has not been reported in the literature in individuals affected with TPRN-related conditions. The frequency data for this variant in the population databases is considered unreliable, as metrics indicate poor data quality at this position in the gnomAD database. This variant, c.489_491del, results in the deletion of 1 amino acid(s) of the TPRN protein (p.Pro164del), but otherwise preserves the integrity of the reading frame.

NM_001128228.3(TPRN):c.474GCC[5] (p.Pro164del)

Gene: TPRN (taperin; minus strand). Cytogenetic location: 9q34.3.
Variant type: Microsatellite.
Coding change: c.474GCC[5] on transcript NM_001128228.3 (MANE Select); five copies in a row of the 3-base unit GCC starting at c.474; the reference has six copies in a row; one copy, 3 bases deleted.
Protein change: p.Pro164del; deletes proline 164.
Molecular consequence: inframe deletion.
Genome position (GRCh38, 1-based): chr9:137,200,221-137,200,223, GGC deleted on the plus strand (GCC on the coding strand, the reverse complement: TPRN is on the minus strand); deleting any 3 consecutive bases within chr9:137,200,221-137,200,240 gives the same sequence; the position shown is the placement nearest the transcript's 3' end. VCF-style (leftmost placement, unchanged base first): chr9-137200220-GGGC-G. GRCh37 (hg19) VCF-style: chr9-140094672-GGGC-G.
Other names: short protein forms P164del.
Identifiers: ClinVar variation 1508374 (VCV001508374.8), dbSNP rs957768814, ClinGen allele CA591373074.